The following is an entry in ClinVar:

ClinVar aggregate classification (germline): Uncertain significance. Review status: criteria provided, multiple submitters, no conflicts (2 of 4 stars). 3 submissions from 3 submitters: Uncertain significance (3). Last evaluated 2025-10-23.

Conditions:
Hereditary cancer-predisposing syndrome. Also called: Hereditary Cancer Syndrome; Neoplastic Syndromes, Hereditary; Hereditary neoplastic syndrome; Tumor predisposition. Identifiers: Orphanet 140162, MedGen C0027672, MeSH D009386, MONDO:0015356.
Hereditary breast ovarian cancer syndrome. Also called: BRCA1- and BRCA2-Associated Hereditary Breast and Ovarian Cancer; Hereditary breast and ovarian cancer syndrome; Hereditary breast and/or ovarian cancer syndrome; Breast and ovarian cancer; Hereditary breast and ovarian cancer; Hereditary breast and ovarian cancer syndrome (HBOC). Identifiers: Orphanet 145, MedGen C0677776, MeSH D061325, MONDO:0003582. Disease mechanism: loss of function.

Submissions (3):

Ambry Genetics
Classification: Uncertain significance for Hereditary cancer-predisposing syndrome. Last evaluated: 2025-10-23. Review status: criteria provided, single submitter. Criteria: Ambry Variant Classification Scheme 2023. Collection method: clinical testing. Allele origin: germline.
Comment: The p.G1471A variant (also known as c.4412G>C), located in coding exon 12 of the BRCA1 gene, results from a G to C substitution at nucleotide position 4412. The glycine at codon 1471 is replaced by alanine, an amino acid with similar properties. This alteration was reported in 1 of 206 Korean breast cancer cases and was not reported among 171 cancer free controls (Seong MW et al. Clin. Genet., 2009 Aug;76:152-60). This amino acid position is poorly conserved in available vertebrate species. In addition, this alteration is predicted to be tolerated by in silico analysis. Since supporting evidence is limited at this time, the clinical significance of this alteration remains unclear.

Women's Health and Genetics/Laboratory Corporation of America, LabCorp
Classification: Uncertain significance. Last evaluated: 2024-11-27. Review status: criteria provided, single submitter. Criteria: LabCorp Variant Classification Summary - May 2015. Collection method: clinical testing. Allele origin: germline.
Comment: Variant summary: BRCA1 c.4412G>C (p.Gly1471Ala) results in a non-conservative amino acid change in the encoded protein sequence. Four of five in-silico tools predict a benign effect of the variant on protein function. The variant was absent in 251242 control chromosomes. The available data on variant occurrences in the general population are insufficient to allow any conclusion about variant significance. c.4412G>C has been reported in the literature in individuals affected with Hereditary Breast And Ovarian Cancer Syndrome (Seong_2009). These report(s) do not provide unequivocal conclusions about association of the variant with Hereditary Breast And Ovarian Cancer Syndrome. To our knowledge, no experimental evidence demonstrating an impact on protein function has been reported. The following publication have been ascertained in the context of this evaluation (PMID: 19656164). ClinVar contains an entry for this variant (Variation ID: 142774). Based on the evidence outlined above, the variant was classified as uncertain significance.

Labcorp Genetics (formerly Invitae), Labcorp
Classification: Uncertain significance for Hereditary breast ovarian cancer syndrome. Last evaluated: 2024-03-27. Review status: criteria provided, single submitter. Criteria: Invitae Variant Classification Sherloc (09022015). Collection method: clinical testing. Allele origin: germline.
Comment: This sequence change replaces glycine, which is neutral and non-polar, with alanine, which is neutral and non-polar, at codon 1471 of the BRCA1 protein (p.Gly1471Ala). This variant is not present in population databases (gnomAD no frequency). This missense change has been observed in individual(s) with breast cancer (PMID: 19656164). ClinVar contains an entry for this variant (Variation ID: 142774). Advanced modeling of protein sequence and biophysical properties (such as structural, functional, and spatial information, amino acid conservation, physicochemical variation, residue mobility, and thermodynamic stability) performed at Invitae indicates that this missense variant is not expected to disrupt BRCA1 protein function with a negative predictive value of 95%. In summary, the available evidence is currently insufficient to determine the role of this variant in disease. Therefore, it has been classified as a Variant of Uncertain Significance.

Literature cited by the submitters: PubMed 19656164 (cited by 3 submitters).

NM_007294.4(BRCA1):c.4412G>C (p.Gly1471Ala)

Gene: BRCA1 (BRCA1 DNA repair associated; minus strand). Cytogenetic location: 17q21.31.
Variant type: single nucleotide variant.
Coding change: c.4412G>C on transcript NM_007294.4 (MANE Select); coding-DNA position 4412, G replaced by C.
Protein change: p.Gly1471Ala; replaces glycine 1471 with alanine.
Molecular consequence: missense variant. On other transcripts: non-coding transcript variant (1).
Genome position (GRCh38, 1-based): chr17:43,076,560, C>G on the plus strand (G>C on the coding strand, the complement: BRCA1 is on the minus strand). VCF-style: chr17-43076560-C-G. GRCh37 (hg19) VCF-style: chr17-41228577-C-G.
Other names: c.4286G>C, p.Gly1429Ala (NM_001407674.1, NM_001407675.1, NM_001407676.1 and 11 more transcripts); c.4283G>C, p.Gly1428Ala (NM_001407681.1, NM_001407682.1, NM_001407683.1 and 6 more transcripts); c.4412G>C, p.Gly1471Ala (NM_001407684.1, NM_001407854.1, NM_001407593.1 and 8 more transcripts); c.4280G>C, p.Gly1427Ala (NM_001407690.1, NM_001407691.1); c.4271G>C, p.Gly1424Ala (NM_001407692.1, NM_001407694.1, NM_001407695.1 and 13 more transcripts); c.4268G>C, p.Gly1423Ala (NM_001407732.1, NM_001407733.1, NM_001407734.1 and 21 more transcripts); c.4265G>C, p.Gly1422Ala (NM_001407838.1, NM_001407839.1, NM_001407841.1 and 12 more transcripts); c.4199G>C, p.Gly1400Ala (NM_001407571.1, NM_001407894.1, NM_001407895.1 and 12 more transcripts); and 68 more; short protein forms G1471A, G1492A, G367A, G1424A, G1493A, G241A, G254A, G258A.
Identifiers: ClinVar variation 142774 (VCV000142774.18), dbSNP rs587782708, ClinGen allele CA002834.
Genomic context (GRCh38, chr17:43,076,560, plus strand): 5'-GGTTCTTTATTTTTACTGGTAGAACTATCTGCAGACACCTCAAACTTGTCAGCAGAAAGG[C>G]CTTCTGGATTCTGGCTTATAGGGTATTCACTACTTTTCTGTGAAGTTAATACTGCTTTAA-3'
Protein context (NP_009225.1, residues 1461-1481): SEYPISQNPE[Gly1471Ala]LSADKFEVSA